The following is an entry in ClinVar:

ClinVar aggregate classification (germline): Pathogenic/Likely pathogenic. Review status: criteria provided, multiple submitters, no conflicts (2 of 4 stars). 3 submissions from 3 submitters: Pathogenic (2); Likely pathogenic (1). Last evaluated 2024-05-08.

Conditions:
Retinitis pigmentosa 25 (RP25). Identifiers: Orphanet 791, MedGen C1864446, MONDO:0011272, OMIM 602772.

gnomAD v4.1: 6 of 1,550,112 alleles (0.00039%); highest among the groups gnomAD compares: Non-Finnish European, 0.00035%; no homozygotes.

Submissions (3):

Myriad Genetics, Inc.
Classification: Pathogenic for Retinitis pigmentosa 25. Last evaluated: 2024-05-08. Review status: criteria provided, single submitter. Criteria: Myriad Autosomal Dominant, Autosomal Recessive and X-Linked Classification Criteria (2023). Collection method: clinical testing. Allele origin: unknown.
Comment: NM_001142800.1(EYS):c.2109C>G(Y703*) is expected to be pathogenic in the context of retinitis pigmentosa, EYS-related. This variant is predicted to lead to an abnormal or absent protein product due to the creation of a premature termination codon in EYS, a gene where loss-of-function variants are known to be pathogenic. Please note: this variant was assessed in the context of healthy population screening.

Natera, Inc.
Classification: Likely pathogenic for Retinitis pigmentosa type 25. Last evaluated: 2024-04-22. Review status: criteria provided, single submitter. Criteria: Natera Variant Classification Schema (03/2026). Collection method: clinical testing. Allele origin: germline.
Comment: The c.2109C>G variant in EYS is a nonsense variant predicted to introduce a stop codon at amino acid 703. This variant is expected to result in nonsense mediated decay, truncation, or a dysfunctional protein product. This variant is rare in the general population with a frequency below the threshold expected for the associated phenotype(s). Given the available evidence, this variant is classified as Likely Pathogenic.

Labcorp Genetics (formerly Invitae), Labcorp
Classification: Pathogenic. Last evaluated: 2019-12-18. Review status: criteria provided, single submitter. Criteria: Invitae Variant Classification Sherloc (09022015). Collection method: clinical testing. Allele origin: germline.
Comment: This variant is not present in population databases (ExAC no frequency). This sequence change creates a premature translational stop signal (p.Tyr703*) in the EYS gene. It is expected to result in an absent or disrupted protein product. This variant has not been reported in the literature in individuals with EYS-related conditions. Algorithms developed to predict the effect of sequence changes on RNA splicing suggest that this variant may create or strengthen a splice site, but this prediction has not been confirmed by published transcriptional studies. Loss-of-function variants in EYS are known to be pathogenic (PMID: 18836446, 20333770). For these reasons, this variant has been classified as Pathogenic.

Literature cited by the submitters: PubMed 18836446 (cited by Labcorp Genetics (formerly Invitae), Labcorp); PubMed 20333770 (cited by Labcorp Genetics (formerly Invitae), Labcorp).

NM_001142800.2(EYS):c.2109C>G (p.Tyr703Ter)

Gene: EYS (EGF-like photoreceptor maintenance factor; minus strand). Cytogenetic location: 6q12.
Variant type: single nucleotide variant.
Coding change: c.2109C>G on transcript NM_001142800.2 (MANE Select); coding-DNA position 2109, C replaced by G.
Protein change: p.Tyr703Ter; replaces tyrosine 703 with a stop codon.
Molecular consequence: nonsense.
Genome position (GRCh38, 1-based): chr6:65,057,642, G>C on the plus strand (C>G on the coding strand, the complement: EYS is on the minus strand). VCF-style: chr6-65057642-G-C. GRCh37 (hg19) VCF-style: chr6-65767535-G-C.
Other names: c.2109C>G, p.Tyr703Ter (NM_001292009.2); short protein forms Y703*.
Identifiers: ClinVar variation 861939 (VCV000861939.10), dbSNP rs377090818, ClinGen allele CA364787503.